The following is an entry in ClinVar:

NM_000487.6(ARSA):c.1108-2A>G

Gene: ARSA (arylsulfatase A; minus strand). Cytogenetic location: 22q13.33.
Variant type: single nucleotide variant.
Coding change: c.1108-2A>G on transcript NM_000487.6 (MANE Select); the canonical splice acceptor site of the intron before coding-DNA position 1108, A replaced by G.
Molecular consequence: splice acceptor variant.
Genome position (GRCh38, 1-based): chr22:50,625,683, T>C on the plus strand (A>G on the coding strand, the complement: ARSA is on the minus strand). VCF-style: chr22-50625683-T-C. GRCh37 (hg19) VCF-style: chr22-51064111-T-C.
Other names: c.850-2A>G (NM_001362782.2, NM_001085428.3); c.1108-2A>G (NM_001085427.3, NM_001085426.3, NM_001085425.3).
Identifiers: ClinVar variation 93115 (VCV000093115.12), dbSNP rs398123411, ClinGen allele CA278420.

ClinVar aggregate classification (germline): Pathogenic. Review status: criteria provided, multiple submitters, no conflicts (2 of 4 stars). 8 submissions from 8 submitters: Pathogenic (6). 2 of the submissions do not count toward it. Last evaluated 2025-04-04.

Conditions:
Metachromatic leukodystrophy (MLD). Also called: ARSA DEFICIENCY; CEREBROSIDE SULFATASE DEFICIENCY; Arylsulfatase A Deficiency; SULFATIDE LIPIDOSIS; Cerebral sclerosis diffuse metachromatic form; METACHROMATIC LEUKOENCEPHALOPATHY. Identifiers: Orphanet 512, MedGen C0023522, MONDO:0018868, OMIM 250100.

Submissions (8):

GeneDx
Classification: Pathogenic. Last evaluated: 2025-04-04. Review status: criteria provided, single submitter. Criteria: GeneDx Variant Classification Process June 2021. Collection method: clinical testing. Allele origin: germline. Affected: yes.
Comment: Canonical splice site variant predicted to result in a null allele in a gene for which loss of function is a known mechanism of disease; Not observed at significant frequency in large population cohorts (gnomAD); This variant is associated with the following publications: (PMID: 24001781, 26462614)

Natera, Inc.
Classification: Pathogenic for Metachromatic leukodystrophy. Last evaluated: 2025-02-24. Review status: criteria provided, single submitter. Criteria: Natera Variant Classification Schema (03/2026). Collection method: clinical testing. Allele origin: germline.
Comment: The c.1108-2A>G variant in ARSA is a canonical splice acceptor site variant predicted to affect pre-mRNA splicing, which may result in an abnormal transcript and altered protein product. This variant is expected to result in nonsense mediated decay, truncation, or a dysfunctional protein product. This variant is rare in the general population with a frequency below the threshold expected for the associated phenotype(s). This variant has been observed in one or more individuals affected with the associated recessive disease, as either homozygous or compound heterozygous with a second variant (PMID: 24001781, 34055681). Additionally, this variant has been observed to segregate in affected family members (PMID: 26462614). Given the available evidence, this variant is classified as Pathogenic.

Institute of Human Genetics, Clinical Exome/Genome Diagnostics Group, University Hospital Bonn
Classification: Pathogenic for Metachromatic leukodystrophy. Last evaluated: 2023-08-17. Review status: criteria provided, single submitter. Criteria: ACMG Guidelines, 2015. Collection method: clinical testing. Allele origin: germline. Affected: yes.

Baylor Genetics
Classification: Pathogenic for Metachromatic leukodystrophy. Last evaluated: 2019-12-07. Review status: criteria provided, single submitter. Criteria: ACMG Guidelines, 2015. Collection method: clinical testing. Allele origin: unknown. Affected: yes.
Comment: This variant was determined to be pathogenic according to ACMG Guidelines, 2015 [PMID:25741868].

Eurofins Ntd Llc (ga)
Classification: Pathogenic. Last evaluated: 2012-11-01. Review status: criteria provided, single submitter. Criteria: EGL Classification Definitions 2015. Collection method: clinical testing. Allele origin: germline. Observed: 7 variant alleles, 3 heterozygotes, 4 homozygotes.

Pathology and Clinical Laboratory Medicine, King Fahad Medical City
Classification: Pathogenic for Metachromatic leukodystrophy. Review status: criteria provided, single submitter. Criteria: ACMG Guidelines, 2015. Collection method: clinical testing. Allele origin: germline. Affected: yes. Observed: 8 variant alleles.

Biochemical Molecular Genetic Laboratory, King Abdulaziz Medical City
Classification: Pathogenic for Metachromatic leukodystrophy. Last evaluated: 2020-11-12. Review status: no assertion criteria provided. Collection method: clinical testing. Allele origin: germline. Affected: yes. Not counted in ClinVar's aggregate classification.

Counsyl
Classification: Pathogenic for Metachromatic leukodystrophy. Last evaluated: 2018-01-23. Review status: no assertion criteria provided. Collection method: clinical testing. Allele origin: unknown. Not counted in ClinVar's aggregate classification.

Literature cited by the submitters: PubMed 24001781 (cited by Natera, Inc. and Counsyl); PubMed 34055681 (cited by Natera, Inc.); PubMed 26462614 (cited by Natera, Inc. and Counsyl).